The following is an entry in ClinVar:

ClinVar aggregate classification (germline): Uncertain significance (1 of 4 stars; one submission).

gnomAD v4.1: 54 of 1,592,440 alleles (0.0034%); highest among the groups gnomAD compares: South Asian, 0.035%; no homozygotes.

Submission:

GeneDx
Classification: Uncertain significance. Last evaluated: 2025-07-26. Review status: criteria provided, single submitter. Criteria: GeneDx Variant Classification Process June 2021. Collection method: clinical testing. Allele origin: germline. Affected: yes.
Comment: Reported in the published literature in a patient with a developmental disorder; however, additional clinical information was not provided (PMID: 33057194); In silico analysis supports that this missense variant has a deleterious effect on protein structure/function; This variant is associated with the following publications: (PMID: 35982159, 33057194)

NM_001395413.1(POR):c.1451G>A (p.Arg484His)

Gene: POR (cytochrome p450 oxidoreductase; plus strand). Cytogenetic location: 7q11.23.
Variant type: single nucleotide variant.
Coding change: c.1451G>A on transcript NM_001395413.1 (MANE Select); coding-DNA position 1451, G replaced by A.
Protein change: p.Arg484His; replaces arginine 484 with histidine.
Molecular consequence: missense variant.
Genome position (GRCh38, 1-based): chr7:75,985,640, G>A. VCF-style: chr7-75985640-G-A. GRCh37 (hg19) VCF-style: chr7-75614958-G-A.
Other names: c.1451G>A, p.Arg484His (NM_001367562.3, NM_001382657.2, NM_001382658.3 and 1 more transcripts); c.1505G>A, p.Arg502His (NM_001382655.3); c.1301G>A, p.Arg434His (NM_001382662.3); c.1460G>A (NM_000941.2); short protein forms R434H, R484H, R502H.
Identifiers: ClinVar variation 4686788 (VCV004686788.1).